The following is an entry in ClinVar:

ClinVar aggregate classification (germline): Uncertain significance. Review status: criteria provided, multiple submitters, no conflicts (2 of 4 stars). 2 submissions from 2 submitters: Uncertain significance (2). Last evaluated 2025-12-17.

Conditions:
POLD1-related polyposis and colorectal cancer syndrome (CRCS10). Also called: COLORECTAL CANCER, SUSCEPTIBILITY TO, ON CHROMOSOME 19q; Colorectal cancer 10; Colorectal cancer, susceptibility to, 10. Identifiers: Orphanet 220460, MedGen C2675481, MONDO:0012953, OMIM 612591.
Hereditary cancer-predisposing syndrome. Also called: Neoplastic Syndromes, Hereditary; Tumor predisposition; Hereditary neoplastic syndrome; Hereditary Cancer Syndrome. Identifiers: Orphanet 140162, MedGen C0027672, MeSH D009386, MONDO:0015356.

Allele frequency attached by ClinVar (database versions not stated): gnomAD exomes below 0.00001.
gnomAD v4.1: 2 of 1,613,912 alleles (0.00012%); highest among the groups gnomAD compares: Middle Eastern, 0.016%; no homozygotes.

Submissions (2):

Ambry Genetics
Classification: Uncertain significance for Hereditary cancer-predisposing syndrome. Last evaluated: 2025-12-17. Review status: criteria provided, single submitter. Criteria: Ambry Variant Classification Scheme 2023. Collection method: clinical testing. Allele origin: germline.
Comment: The p.M457T variant (also known as c.1370T>C), located in coding exon 10 of the POLD1 gene, results from a T to C substitution at nucleotide position 1370. The methionine at codon 457 is replaced by threonine, an amino acid with similar properties. This amino acid position is not well conserved in available vertebrate species. In addition, this alteration is predicted to be tolerated by in silico analysis. Since supporting evidence is limited at this time, the clinical significance of this alteration remains unclear.

Labcorp Genetics (formerly Invitae), Labcorp
Classification: Uncertain significance for POLD1-related polyposis and colorectal cancer syndrome. Last evaluated: 2022-07-12. Review status: criteria provided, single submitter. Criteria: Invitae Variant Classification Sherloc (09022015). Collection method: clinical testing. Allele origin: germline.
Comment: This sequence change replaces methionine, which is neutral and non-polar, with threonine, which is neutral and polar, at codon 457 of the POLD1 protein (p.Met457Thr). This variant is not present in population databases (gnomAD no frequency). This variant has not been reported in the literature in individuals affected with POLD1-related conditions. Algorithms developed to predict the effect of missense changes on protein structure and function are either unavailable or do not agree on the potential impact of this missense change (SIFT: "Deleterious"; PolyPhen-2: "Benign"; Align-GVGD: "Class C0"). In summary, the available evidence is currently insufficient to determine the role of this variant in disease. Therefore, it has been classified as a Variant of Uncertain Significance.

NM_002691.4(POLD1):c.1370T>C (p.Met457Thr)

Gene: POLD1 (DNA polymerase delta 1, catalytic subunit; plus strand). Cytogenetic location: 19q13.33.
Variant type: single nucleotide variant.
Coding change: c.1370T>C on transcript NM_002691.4 (MANE Select); coding-DNA position 1370, T replaced by C.
Protein change: p.Met457Thr; replaces methionine 457 with threonine.
Molecular consequence: missense variant. On other transcripts: non-coding transcript variant (1).
Genome position (GRCh38, 1-based): chr19:50,406,309, T>C. VCF-style: chr19-50406309-T-C. GRCh37 (hg19) VCF-style: chr19-50909566-T-C.
Other names: c.1370T>C, p.Met457Thr (NM_001256849.1, NM_001308632.1); short protein forms M457T.
Identifiers: ClinVar variation 1771039 (VCV001771039.6), dbSNP rs1362604491, ClinGen allele CA406979967.